The following is an entry in ClinVar:

ClinVar aggregate classification (germline): Uncertain significance (1 of 4 stars; one submission).

Submission:

Labcorp Genetics (formerly Invitae), Labcorp
Classification: Uncertain significance. Last evaluated: 2024-01-22. Review status: criteria provided, single submitter. Criteria: Invitae Variant Classification Sherloc (09022015). Collection method: clinical testing. Allele origin: germline.
Comment: This sequence change replaces glycine, which is neutral and non-polar, with alanine, which is neutral and non-polar, at codon 1030 of the COL4A4 protein (p.Gly1030Ala). This variant is not present in population databases (gnomAD no frequency). This variant has not been reported in the literature in individuals affected with COL4A4-related conditions. Advanced modeling of protein sequence and biophysical properties (such as structural, functional, and spatial information, amino acid conservation, physicochemical variation, residue mobility, and thermodynamic stability) performed at Invitae indicates that this missense variant is expected to disrupt COL4A4 protein function with a positive predictive value of 95%. In summary, the available evidence is currently insufficient to determine the role of this variant in disease. Therefore, it has been classified as a Variant of Uncertain Significance.

NM_000092.5(COL4A4):c.3089G>C (p.Gly1030Ala)

Gene: COL4A4 (collagen type IV alpha 4 chain; minus strand). Cytogenetic location: 2q36.3.
Variant type: single nucleotide variant.
Coding change: c.3089G>C on transcript NM_000092.5 (MANE Select); coding-DNA position 3089, G replaced by C.
Protein change: p.Gly1030Ala; replaces glycine 1030 with alanine.
Molecular consequence: missense variant.
Genome position (GRCh38, 1-based): chr2:227,051,038, C>G on the plus strand (G>C on the coding strand, the complement: COL4A4 is on the minus strand). VCF-style: chr2-227051038-C-G. GRCh37 (hg19) VCF-style: chr2-227915754-C-G.
Other names: short protein forms G1030A.
Identifiers: ClinVar variation 2785585 (VCV002785585.3), dbSNP rs772699709, ClinGen allele CA350839054.